The following is an entry in ClinVar:

ClinVar aggregate classification (germline): Uncertain significance (1 of 4 stars; one submission).

Submission:

GeneDx
Classification: Uncertain significance. Last evaluated: 2025-04-25. Review status: criteria provided, single submitter. Criteria: GeneDx Variant Classification Process June 2021. Collection method: clinical testing. Allele origin: germline. Affected: yes.
Comment: Not observed at significant frequency in large population cohorts (gnomAD); In silico analysis supports that this missense variant has a deleterious effect on protein structure/function; Has not been previously published as pathogenic or benign to our knowledge

NM_001375380.1(EBF3):c.158A>C (p.His53Pro)

Gene: EBF3 (EBF transcription factor 3; minus strand). Cytogenetic location: 10q26.3.
Variant type: single nucleotide variant.
Coding change: c.158A>C on transcript NM_001375380.1 (MANE Select); coding-DNA position 158, A replaced by C.
Protein change: p.His53Pro; replaces histidine 53 with proline.
Molecular consequence: missense variant.
Genome position (GRCh38, 1-based): chr10:129,963,500, T>G on the plus strand (A>C on the coding strand, the complement: EBF3 is on the minus strand). VCF-style: chr10-129963500-T-G. GRCh37 (hg19) VCF-style: chr10-131761764-T-G.
Other names: c.158A>C, p.His53Pro (NM_001005463.3, NM_001375379.1, NM_001375389.1 and 3 more transcripts); short protein forms H53P.
Identifiers: ClinVar variation 4527379 (VCV004527379.1).
Genomic context (GRCh38, chr10:129,963,500, plus strand): 5'-GCCAGCACGAAGTGGAAGAAATTGGATTTCCGGAGGTTGGAAGGCGGCTGCTTCTCGAAG[T>G]GCGCCCGCGCCAGCCCCACGCCGCTGCGGGAGGAAAGAGACAGCGGCCCGGTGAGGAGCG-3'
Protein context (NP_001362309.1, residues 43-63): AQSGVGLARA[His53Pro]FEKQPPSNLR